The following is an entry in ClinVar:

ClinVar aggregate classification (germline): Uncertain significance (1 of 4 stars; one submission).

Conditions:
Very long chain acyl-CoA dehydrogenase deficiency (ACADVLD). Also called: VLCAD Deficiency; Very Long-Chain Acyl-Coenzyme A Dehydrogenase Deficiency. Identifiers: Orphanet 26793, MedGen C3887523, MONDO:0008723, OMIM 201475.

Allele frequency attached by ClinVar (database versions not stated): gnomAD exomes below 0.00001; gnomAD 0.00001; ExAC 0.00002.
gnomAD v4.1: 8 of 1,614,000 alleles (0.0005%); highest among the groups gnomAD compares: Non-Finnish European, 0.00034%; no homozygotes.

Submission:

Labcorp Genetics (formerly Invitae), Labcorp
Classification: Uncertain significance for Very long chain acyl-CoA dehydrogenase deficiency. Last evaluated: 2022-10-13. Review status: criteria provided, single submitter. Criteria: Invitae Variant Classification Sherloc (09022015). Collection method: clinical testing. Allele origin: germline.
Comment: In summary, the available evidence is currently insufficient to determine the role of this variant in disease. Therefore, it has been classified as a Variant of Uncertain Significance. Advanced modeling of protein sequence and biophysical properties (such as structural, functional, and spatial information, amino acid conservation, physicochemical variation, residue mobility, and thermodynamic stability) performed at Invitae indicates that this missense variant is expected to disrupt ACADVL protein function. This variant has not been reported in the literature in individuals affected with ACADVL-related conditions. This variant is present in population databases (rs777684163, gnomAD 0.009%). This sequence change replaces valine, which is neutral and non-polar, with methionine, which is neutral and non-polar, at codon 233 of the ACADVL protein (p.Val233Met).

NM_000018.4(ACADVL):c.697G>A (p.Val233Met)

Gene: ACADVL (acyl-CoA dehydrogenase very long chain; plus strand). Cytogenetic location: 17p13.1.
Variant type: single nucleotide variant.
Coding change: c.697G>A on transcript NM_000018.4 (MANE Select); coding-DNA position 697, G replaced by A.
Protein change: p.Val233Met; replaces valine 233 with methionine.
Molecular consequence: missense variant.
Genome position (GRCh38, 1-based): chr17:7,222,026, G>A. VCF-style: chr17-7222026-G-A. GRCh37 (hg19) VCF-style: chr17-7125345-G-A.
Other names: c.631G>A, p.Val211Met (NM_001033859.3); c.766G>A, p.Val256Met (NM_001270447.2); c.469G>A, p.Val157Met (NM_001270448.2); short protein forms V233M, V211M, V256M, V157M.
Identifiers: ClinVar variation 2142397 (VCV002142397.4), dbSNP rs777684163, ClinGen allele CA8337816.
Genomic context (GRCh38, chr17:7,222,026, plus strand): 5'-GCTTTCTGTCTAACCGAGCCCTCAAGCGGGTCAGATGCAGCCTCCATCCGAACCTCTGCT[G>A]TGCCCAGCCCCTGTGGAAAATACTATACCCTCAATGGAAGCAAGCTTTGGATCAGGCAAC-3'
Protein context (NP_000009.1, residues 223-243): SDAASIRTSA[Val233Met]PSPCGKYYTL